The following is an entry in ClinVar:

NM_001354712.2(THRB):c.*3357C>G

Gene: THRB (thyroid hormone receptor beta; minus strand). Cytogenetic location: 3p24.2.
Variant type: single nucleotide variant.
Coding change: c.*3357C>G on transcript NM_001354712.2 (MANE Select); 3357 bases downstream of the stop codon, C replaced by G.
Molecular consequence: 3 prime UTR variant.
Genome position (GRCh38, 1-based): chr3:24,119,527, G>C on the plus strand (C>G on the coding strand, the complement: THRB is on the minus strand). VCF-style: chr3-24119527-G-C. GRCh37 (hg19) VCF-style: chr3-24161018-G-C.
Other names: c.*3357C>G (NM_000461.5, NM_001128176.3, NM_001128177.2 and 14 more transcripts).
Identifiers: ClinVar variation 899953 (VCV000899953.4), dbSNP rs149846483, ClinGen allele CA71602557.

ClinVar aggregate classification (germline): Benign (1 of 4 stars; one submission).

Conditions:
Thyroid hormone resistance, generalized, autosomal dominant (GRTHD). Also called: HYPERTHYROXINEMIA, FAMILIAL EUTHYROID, SECONDARY TO PITUITARY AND PERIPHERAL RESISTANCE TO THYROID HORMONES. Identifiers: MedGen C2937288, MONDO:0008569, OMIM 188570.

Allele frequency attached by ClinVar (database versions not stated): gnomAD 0.00009 and 0.00015; TOPMed 0.00023; 1000 Genomes Project 30x 0.00094; 1000 Genomes Project 0.00100.

Submission:

Illumina Laboratory Services, Illumina
Classification: Benign for Thyroid hormone resistance, generalized, autosomal dominant. Last evaluated: 2018-01-12. Review status: criteria provided, single submitter. Criteria: ICSL Variant Classification Criteria 13 December 2019. Collection method: clinical testing. Allele origin: germline.
Comment: This variant was observed in the ICSL laboratory as part of a predisposition screen in an ostensibly healthy population. It had not been previously curated by ICSL or reported in the Human Gene Mutation Database (HGMD: prior to June 1st, 2018), and was therefore a candidate for classification through an automated scoring system. Utilizing variant allele frequency, disease prevalence and penetrance estimates, and inheritance mode, an automated score was calculated to assess if this variant is too frequent to cause the disease. Based on the score and internal cut-off values, a variant classified as benign is not then subjected to further curation. The score for this variant resulted in a classification of benign for this disease.